The following is an entry in ClinVar:

NM_002693.3(POLG):c.2480+5G>C

Gene: POLG (DNA polymerase gamma, catalytic subunit; minus strand). Cytogenetic location: 15q26.1.
Variant type: single nucleotide variant.
Coding change: c.2480+5G>C on transcript NM_002693.3 (MANE Select); 5 bases into the intron after coding-DNA position 2480, G replaced by C.
Molecular consequence: intron variant.
Genome position (GRCh38, 1-based): chr15:89,321,957, C>G on the plus strand (G>C on the coding strand, the complement: POLG is on the minus strand). VCF-style: chr15-89321957-C-G. GRCh37 (hg19) VCF-style: chr15-89865188-C-G.
Other names: c.2480+5G>C (NM_001126131.2).
Identifiers: ClinVar variation 458704 (VCV000458704.7), dbSNP rs1229969606, ClinGen allele CA619857631.

ClinVar aggregate classification (germline): Uncertain significance. Review status: criteria provided, multiple submitters, no conflicts (2 of 4 stars). 2 submissions from 2 submitters: Uncertain significance (2). Last evaluated 2024-12-09.

Conditions:
Progressive sclerosing poliodystrophy (MTDPS4A). Also called: Alpers Syndrome; ALPERS DIFFUSE DEGENERATION OF CEREBRAL GRAY MATTER WITH HEPATIC CIRRHOSIS; Alpers-Huttenlocher Syndrome; Mitochondrial DNA depletion syndrome 4A (Alpers type); Mitochondrial DNA Depletion Syndrome 4A; Alpers-Huttenlocher Syndrome (AHS). Identifiers: Orphanet 726, MedGen C0205710, MONDO:0008758, OMIM 203700.

Allele frequency attached by ClinVar (database versions not stated): gnomAD exomes below 0.00001 and 0.00001; gnomAD 0.00001.
gnomAD v4.1: 7 of 1,613,876 alleles (0.00043%); highest among the groups gnomAD compares: Admixed American, 0.0067%; no homozygotes.

Submissions (2):

Labcorp Genetics (formerly Invitae), Labcorp
Classification: Uncertain significance for Progressive sclerosing poliodystrophy. Last evaluated: 2024-12-09. Review status: criteria provided, single submitter. Criteria: Invitae Variant Classification Sherloc (09022015). Collection method: clinical testing. Allele origin: germline.
Comment: This sequence change falls in intron 15 of the POLG gene. It does not directly change the encoded amino acid sequence of the POLG protein. It affects a nucleotide within the consensus splice site. This variant is present in population databases (no rsID available, gnomAD 0.003%). This variant has not been reported in the literature in individuals affected with POLG-related conditions. ClinVar contains an entry for this variant (Variation ID: 458704). Variants that disrupt the consensus splice site are a relatively common cause of aberrant splicing (PMID: 17576681, 9536098). Algorithms developed to predict the effect of sequence changes on RNA splicing suggest that this variant is not likely to affect RNA splicing. In summary, the available evidence is currently insufficient to determine the role of this variant in disease. Therefore, it has been classified as a Variant of Uncertain Significance.

Blueprint Genetics
Classification: Uncertain significance. Last evaluated: 2022-04-07. Review status: criteria provided, single submitter. Criteria: ACMG Guidelines, 2015. Collection method: clinical testing. Allele origin: germline.

Literature cited by the submitters: PubMed 17576681 (cited by Labcorp Genetics (formerly Invitae), Labcorp); PubMed 9536098 (cited by Labcorp Genetics (formerly Invitae), Labcorp).